The following is an entry in ClinVar:

ClinVar aggregate classification (germline): Uncertain significance (1 of 4 stars; one submission).

Allele frequency attached by ClinVar (database versions not stated): TOPMed 0.00001.
gnomAD v4.1: 35 of 1,614,006 alleles (0.0022%); highest among the groups gnomAD compares: South Asian, 0.036%; no homozygotes.

Submission:

Labcorp Genetics (formerly Invitae), Labcorp
Classification: Uncertain significance. Last evaluated: 2023-01-16. Review status: criteria provided, single submitter. Criteria: Invitae Variant Classification Sherloc (09022015). Collection method: clinical testing. Allele origin: germline.
Comment: In summary, the available evidence is currently insufficient to determine the role of this variant in disease. Therefore, it has been classified as a Variant of Uncertain Significance. Algorithms developed to predict the effect of missense changes on protein structure and function are either unavailable or do not agree on the potential impact of this missense change (SIFT: "Deleterious"; PolyPhen-2: "Benign"; Align-GVGD: "Class C0"). This variant has not been reported in the literature in individuals affected with MS4A1-related conditions. This variant is present in population databases (rs184174552, gnomAD 0.02%). This sequence change replaces isoleucine, which is neutral and non-polar, with methionine, which is neutral and non-polar, at codon 199 of the MS4A1 protein (p.Ile199Met).

NM_152866.3(MS4A1):c.597C>G (p.Ile199Met)

Gene: MS4A1 (membrane spanning 4-domains A1; plus strand). Cytogenetic location: 11q12.2.
Variant type: single nucleotide variant.
Coding change: c.597C>G on transcript NM_152866.3 (MANE Select); coding-DNA position 597, C replaced by G.
Protein change: p.Ile199Met; replaces isoleucine 199 with methionine.
Molecular consequence: missense variant.
Genome position (GRCh38, 1-based): chr11:60,466,982, C>G. VCF-style: chr11-60466982-C-G. GRCh37 (hg19) VCF-style: chr11-60234455-C-G.
Other names: c.597C>G, p.Ile199Met (NM_021950.4, NM_152867.2); short protein forms I199M.
Identifiers: ClinVar variation 2913349 (VCV002913349.3), dbSNP rs184174552, ClinGen allele CA6025041.
Genomic context (GRCh38, chr11:60,466,982, plus strand): 5'-ATTACATTTTCACCTTCATTCTTCTGTTGTTTTTCAGGGCATTTTGTCAGTGATGCTGAT[C>G]TTTGCCTTCTTCCAGGAACTTGTAATAGCTGGCATCGTTGAGAATGAATGGAAAAGAACG-3'
Protein context (NP_690605.1, residues 189-209): LFLGILSVML[Ile199Met]FAFFQELVIA